The following is an entry in ClinVar:

ClinVar aggregate classification (germline): Benign/Likely benign. Review status: criteria provided, multiple submitters, no conflicts (2 of 4 stars). 6 submissions from 6 submitters: Benign (2); Likely benign (3). 1 of the submissions does not count toward it. Last evaluated 2026-09-01.

Conditions:
CD59-related disorder. Also called: CD59-related condition.

Allele frequency attached by ClinVar (database versions not stated): gnomAD exomes 0.00028 and 0.00061; ExAC 0.00062; ESP Exome Variant Server 0.00146; gnomAD 0.00147 and 0.00152; TOPMed 0.00172; 1000 Genomes Project 30x 0.00203; 1000 Genomes Project 0.00220.
gnomAD v4.1: 659 of 1,612,284 alleles (0.041%); highest among the groups gnomAD compares: African/African-American, 0.51%; 3 homozygotes.

Submissions (6):

CeGaT Center for Human Genetics Tuebingen
Classification: Likely benign. Last evaluated: 2026-09-01. Review status: criteria provided, single submitter. Criteria: CeGaT Center For Human Genetics Tuebingen Variant Classification Criteria Version 2. Collection method: clinical testing. Allele origin: germline. Affected: yes. Observed: 1 variant allele.
Comment: CD59: BP4, BP7

Women's Health and Genetics/Laboratory Corporation of America, LabCorp
Classification: Likely benign. Last evaluated: 2026-01-22. Review status: criteria provided, single submitter. Criteria: LabCorp Variant Classification Summary - May 2015. Collection method: clinical testing. Allele origin: germline.

Labcorp Genetics (formerly Invitae), Labcorp
Classification: Benign. Last evaluated: 2026-01-18. Review status: criteria provided, single submitter. Criteria: Invitae Variant Classification Sherloc (09022015). Collection method: clinical testing. Allele origin: germline.

Blueprint Genetics
Classification: Likely benign. Last evaluated: 2024-09-13. Review status: criteria provided, single submitter. Criteria: ACMG Guidelines, 2015. Collection method: clinical testing. Allele origin: germline.

Breakthrough Genomics
Classification: Benign. Review status: criteria provided, single submitter. Criteria: ACMG Guidelines, 2015. Collection method: not provided. Allele origin: germline. Inheritance: Autosomal recessive inheritance. Affected: yes.

PreventionGenetics, part of Exact Sciences
Classification: Likely benign for CD59-related condition. Last evaluated: 2024-04-23. Review status: no assertion criteria provided. Collection method: clinical testing. Allele origin: germline. Not counted in ClinVar's aggregate classification.
Comment: This variant is classified as likely benign based on ACMG/AMP sequence variant interpretation guidelines (Richards et al. 2015 PMID: 25741868, with internal and published modifications).

NM_000611.6(CD59):c.54C>T (p.Val18=)

Gene: CD59 (CD59 molecule (CD59 blood group); minus strand). Cytogenetic location: 11p13.
Variant type: single nucleotide variant.
Coding change: c.54C>T on transcript NM_000611.6 (MANE Select); coding-DNA position 54, C replaced by T.
Protein change: p.Val18=; no amino-acid change (valine 18 retained).
Molecular consequence: synonymous variant.
Genome position (GRCh38, 1-based): chr11:33,722,392, G>A on the plus strand (C>T on the coding strand, the complement: CD59 is on the minus strand). VCF-style: chr11-33722392-G-A. GRCh37 (hg19) VCF-style: chr11-33743938-G-A.
Other names: c.54C>T, p.Val18= (NM_001127223.1, NM_001127225.2, NM_001127226.2 and 4 more transcripts).
Identifiers: ClinVar variation 737474 (VCV000737474.14), dbSNP rs2231456, ClinGen allele CA5940796.